The following is an entry in ClinVar:

NM_001164508.2(NEB):c.1310G>A (p.Ser437Asn)

Gene: NEB (nebulin; minus strand). Cytogenetic location: 2q23.3.
Variant type: single nucleotide variant.
Coding change: c.1310G>A on transcript NM_001164508.2 (MANE Select); coding-DNA position 1310, G replaced by A.
Protein change: p.Ser437Asn; replaces serine 437 with asparagine.
Molecular consequence: missense variant.
Genome position (GRCh38, 1-based): chr2:151,697,405, C>T on the plus strand (G>A on the coding strand, the complement: NEB is on the minus strand). VCF-style: chr2-151697405-C-T. GRCh37 (hg19) VCF-style: chr2-152553919-C-T.
Other names: c.1310G>A, p.Ser437Asn (NM_001164507.2, NM_001271208.2, NM_004543.5); short protein forms S437N.
Identifiers: ClinVar variation 644445 (VCV000644445.7), dbSNP rs1466400136, ClinGen allele CA348825669.

ClinVar aggregate classification (germline): Uncertain significance. Review status: criteria provided, single submitter (1 of 4 stars). 2 submissions from 2 submitters: Uncertain significance (1). 1 of the submissions does not count toward it. Last evaluated 2022-06-02.

Conditions:
Nemaline myopathy 2 (NEM2). Also called: Nemaline myopathy 2, autosomal recessive. Identifiers: MedGen C1850569, MONDO:0009725, OMIM 256030.

Allele frequency attached by ClinVar (database versions not stated): gnomAD exomes below 0.00001; TOPMed below 0.00001.
gnomAD v4.1: 2 of 1,613,972 alleles (0.00012%); highest among the groups gnomAD compares: East Asian, 0.0022%; no homozygotes.

Submissions (2):

Labcorp Genetics (formerly Invitae), Labcorp
Classification: Uncertain significance for Nemaline myopathy 2. Last evaluated: 2022-06-02. Review status: criteria provided, single submitter. Criteria: Invitae Variant Classification Sherloc (09022015). Collection method: clinical testing. Allele origin: germline.
Comment: This sequence change replaces serine, which is neutral and polar, with asparagine, which is neutral and polar, at codon 437 of the NEB protein (p.Ser437Asn). This variant is present in population databases (no rsID available, gnomAD 0.006%). This variant has not been reported in the literature in individuals affected with NEB-related conditions. ClinVar contains an entry for this variant (Variation ID: 644445). Algorithms developed to predict the effect of missense changes on protein structure and function are either unavailable or do not agree on the potential impact of this missense change (SIFT: "Deleterious"; PolyPhen-2: "Not Available"; Align-GVGD: "Class C0"). In summary, the available evidence is currently insufficient to determine the role of this variant in disease. Therefore, it has been classified as a Variant of Uncertain Significance.

Natera, Inc.
Classification: Uncertain significance for Nemaline myopathy type 2. Last evaluated: 2021-05-25. Review status: no assertion criteria provided. Collection method: clinical testing. Allele origin: germline. Not counted in ClinVar's aggregate classification.